The following is an entry in ClinVar:

NM_030973.4(MED25):c.769C>G (p.Leu257Val)

Gene: MED25 (mediator complex subunit 25; plus strand). Cytogenetic location: 19q13.33.
Variant type: single nucleotide variant.
Coding change: c.769C>G on transcript NM_030973.4 (MANE Select); coding-DNA position 769, C replaced by G.
Protein change: p.Leu257Val; replaces leucine 257 with valine.
Molecular consequence: missense variant.
Genome position (GRCh38, 1-based): chr19:49,830,168, C>G. VCF-style: chr19-49830168-C-G. GRCh37 (hg19) VCF-style: chr19-50333425-C-G.
Other names: c.769C>G, p.Leu257Val (NM_001378355.1); c.769C>G (NM_030973.3); short protein forms L257V.
Identifiers: ClinVar variation 374689 (VCV000374689.45), dbSNP rs1057519203, ClinGen allele CA16043850.
Genomic context (GRCh38, chr19:49,830,168, plus strand): 5'-GGCCCCCTCCAGTCAAAGCAGCCAGTCCCCCTGCCTCCCGCCGCACCCTCAGGTGCCACT[C>G]TCTCAGCAGCCCCCCAGCAGCCTCTGCCCCCCGTCCCCCCGCAGTACCAGGTATGGATAT-3'
Protein context (NP_112235.2, residues 247-267): LPPAAPSGAT[Leu257Val]SAAPQQPLPP

ClinVar aggregate classification (germline): Uncertain significance. Review status: criteria provided, multiple submitters, no conflicts (2 of 4 stars). 3 submissions from 3 submitters: Uncertain significance (3). Last evaluated 2025-08-21.

Conditions:
Inborn genetic diseases. Identifiers: MedGen C0950123, MeSH D030342.
Charcot-Marie-Tooth disease type 2. Also called: Charcot-Marie-Tooth type 2. Identifiers: Orphanet 64746, MedGen C0270914, MONDO:0018993.

Allele frequency attached by ClinVar (database versions not stated): gnomAD exomes below 0.00001; gnomAD 0.00002; TOPMed 0.00002.

Submissions (3):

Ambry Genetics
Classification: Uncertain significance for Inborn genetic diseases. Last evaluated: 2025-08-21. Review status: criteria provided, single submitter. Criteria: Ambry Variant Classification Scheme 2023. Collection method: clinical testing. Allele origin: germline.

Labcorp Genetics (formerly Invitae), Labcorp
Classification: Uncertain significance for Charcot-Marie-Tooth disease type 2. Last evaluated: 2022-06-26. Review status: criteria provided, single submitter. Criteria: Invitae Variant Classification Sherloc (09022015). Collection method: clinical testing. Allele origin: germline.
Comment: This sequence change replaces leucine, which is neutral and non-polar, with valine, which is neutral and non-polar, at codon 257 of the MED25 protein (p.Leu257Val). This variant is present in population databases (no rsID available, gnomAD 0.003%). This variant has not been reported in the literature in individuals affected with MED25-related conditions. ClinVar contains an entry for this variant (Variation ID: 374689). Algorithms developed to predict the effect of missense changes on protein structure and function (SIFT, PolyPhen-2, Align-GVGD) all suggest that this variant is likely to be tolerated. In summary, the available evidence is currently insufficient to determine the role of this variant in disease. Therefore, it has been classified as a Variant of Uncertain Significance.

CeGaT Center for Human Genetics Tuebingen
Classification: Uncertain significance. Last evaluated: 2016-07-01. Review status: criteria provided, single submitter. Criteria: CeGaT Center For Human Genetics Tuebingen Variant Classification Criteria Version 2. Collection method: clinical testing. Allele origin: germline. Affected: yes. Observed: 1 variant allele.